The following is an entry in ClinVar:

ClinVar aggregate classification (germline): Benign/Likely benign. Review status: criteria provided, multiple submitters, no conflicts (2 of 4 stars). 4 submissions from 4 submitters: Benign (2); Likely benign (2). Last evaluated 2026-07-07.

Conditions:
Hereditary cancer-predisposing syndrome. Also called: Neoplastic Syndromes, Hereditary; Tumor predisposition; Hereditary Cancer Syndrome; Hereditary neoplastic syndrome. Identifiers: Orphanet 140162, MedGen C0027672, MeSH D009386, MONDO:0015356.
Rhabdoid tumor predisposition syndrome 2 (RTPS2). Identifiers: Orphanet 231108, Orphanet 69077, MedGen C2750074, MONDO:0013224, OMIM 613325.

Allele frequency attached by ClinVar (database versions not stated): gnomAD exomes 0.00016 and 0.00005; ExAC 0.00025; 1000 Genomes Project 30x 0.00078; ESP Exome Variant Server 0.00115; TOPMed 0.00068; 1000 Genomes Project 0.00100.

Submissions (4):

Myriad Genetics, Inc.
Classification: Likely benign for Rhabdoid tumor predisposition syndrome 2. Last evaluated: 2026-07-07. Review status: criteria provided, single submitter. Criteria: Myriad Autosomal Dominant, Autosomal Recessive and X-Linked Classification Criteria (2023). Collection method: clinical testing. Allele origin: unknown.
Comment: This variant is considered likely benign. This variant is intronic and is not expected to impact mRNA splicing.

Labcorp Genetics (formerly Invitae), Labcorp
Classification: Benign for Rhabdoid tumor predisposition syndrome 2. Last evaluated: 2026-02-04. Review status: criteria provided, single submitter. Criteria: Invitae Variant Classification Sherloc (09022015). Collection method: clinical testing. Allele origin: germline.

ARUP Laboratories, Molecular Genetics and Genomics, ARUP Laboratories
Classification: Benign. Last evaluated: 2023-09-18. Review status: criteria provided, single submitter. Criteria: ARUP Molecular Germline Variant Investigation Process 2024. Collection method: clinical testing. Allele origin: germline.

Ambry Genetics
Classification: Likely benign for Hereditary cancer-predisposing syndrome. Last evaluated: 2015-07-01. Review status: criteria provided, single submitter. Criteria: Ambry Variant Classification Scheme 2023. Collection method: clinical testing. Allele origin: germline.

NM_003072.5(SMARCA4):c.2860-14T>C

Gene: SMARCA4 (SWI/SNF related BAF chromatin remodeling complex subunit ATPase 4; plus strand). Cytogenetic location: 19p13.2.
Variant type: single nucleotide variant.
Coding change: c.2860-14T>C on transcript NM_003072.5 (MANE Select); 14 bases into the intron before coding-DNA position 2860, T replaced by C.
Molecular consequence: intron variant.
Genome position (GRCh38, 1-based): chr19:11,023,504, T>C. VCF-style: chr19-11023504-T-C. GRCh37 (hg19) VCF-style: chr19-11134180-T-C.
Other names: c.2860-14T>C (NM_001128844.3, NM_001128849.3, NM_001128847.4 and 6 more transcripts).
Identifiers: ClinVar variation 1599683 (VCV001599683.10), dbSNP rs191509662, ClinGen allele CA9204253.